The following is an entry in ClinVar:

ClinVar aggregate classification (germline): Uncertain significance (1 of 4 stars; one submission).

Conditions:
Holocarboxylase synthetase deficiency. Also called: MULTIPLE CARBOXYLASE DEFICIENCY, EARLY ONSET. Identifiers: Orphanet 79242, MedGen C0268581, MONDO:0009666, OMIM 253270.

Allele frequency attached by ClinVar (database versions not stated): gnomAD 0.00001; TOPMed 0.00003; ExAC 0.00004; gnomAD exomes 0.00005; ESP Exome Variant Server 0.00008.
gnomAD v4.1: 71 of 1,614,054 alleles (0.0044%); highest among the groups gnomAD compares: Non-Finnish European, 0.0053%; 1 homozygote.

Submission:

Labcorp Genetics (formerly Invitae), Labcorp
Classification: Uncertain significance for Holocarboxylase synthetase deficiency. Last evaluated: 2022-05-31. Review status: criteria provided, single submitter. Criteria: Invitae Variant Classification Sherloc (09022015). Collection method: clinical testing. Allele origin: germline.
Comment: This sequence change replaces proline, which is neutral and non-polar, with leucine, which is neutral and non-polar, at codon 539 of the HLCS protein (p.Pro539Leu). This variant is present in population databases (rs369068690, gnomAD 0.009%). This variant has not been reported in the literature in individuals affected with HLCS-related conditions. Advanced modeling of protein sequence and biophysical properties (such as structural, functional, and spatial information, amino acid conservation, physicochemical variation, residue mobility, and thermodynamic stability) performed at Invitae indicates that this missense variant is expected to disrupt HLCS protein function. In summary, the available evidence is currently insufficient to determine the role of this variant in disease. Therefore, it has been classified as a Variant of Uncertain Significance.

NM_001352514.2(HLCS):c.2057C>T (p.Pro686Leu)

Gene: HLCS (holocarboxylase synthetase; minus strand). Cytogenetic location: 21q22.13.
Variant type: single nucleotide variant.
Coding change: c.2057C>T on transcript NM_001352514.2 (MANE Select); coding-DNA position 2057, C replaced by T.
Protein change: p.Pro686Leu; replaces proline 686 with leucine.
Molecular consequence: missense variant. On other transcripts: non-coding transcript variant (2).
Genome position (GRCh38, 1-based): chr21:36,765,076, G>A on the plus strand (C>T on the coding strand, the complement: HLCS is on the minus strand). VCF-style: chr21-36765076-G-A. GRCh37 (hg19) VCF-style: chr21-38137377-G-A.
Other names: c.1616C>T, p.Pro539Leu (NM_000411.8, NM_001242784.3, NM_001242785.2 and 4 more transcripts); short protein forms P686L, P539L.
Identifiers: ClinVar variation 2058378 (VCV002058378.1), dbSNP rs369068690, ClinGen allele CA10020378.